The following is an entry in ClinVar:

ClinVar aggregate classification (germline): Uncertain significance. Review status: criteria provided, multiple submitters, no conflicts (2 of 4 stars). 4 submissions from 4 submitters: Uncertain significance (4). Last evaluated 2025-06-16.

Conditions:
Complex lethal osteochondrodysplasia. Also called: Osteochondrodysplasia, complex lethal, symoens-barnes-gistelinck type. Identifiers: Orphanet 457378, MedGen C4225162, MONDO:0014821, OMIM 616897.
Inborn genetic diseases. Identifiers: MedGen C0950123, MeSH D030342.
TAPT1-related disorder. Also called: TAPT1-related condition.

Allele frequency attached by ClinVar (database versions not stated): gnomAD 0.00035 and 0.00036; 1000 Genomes Project 0.00040; ESP Exome Variant Server 0.00042; 1000 Genomes Project 30x 0.00047; gnomAD exomes 0.00048; TOPMed 0.00048; ExAC 0.00053.
gnomAD v4.1: 981 of 1,613,790 alleles (0.061%); highest among the groups gnomAD compares: Middle Eastern, 0.082%; no homozygotes.

Submissions (4):

PreventionGenetics, part of Exact Sciences
Classification: Uncertain significance for TAPT1-related condition. Last evaluated: 2025-06-16. Review status: criteria provided, single submitter. Criteria: ACMG Guidelines, 2015. Collection method: clinical testing. Allele origin: germline.
Comment: The TAPT1 c.1499C>T variant is predicted to result in the amino acid substitution p.Ser500Phe. This variant was reported in an individual with atypical femur fractures (Table S4, Zhou et al. 2023. PubMed ID: 37076969). This variant is reported in 0.077% of alleles in individuals of European (Non-Finnish) descent in gnomAD. Although we suspect that this variant may be benign, at this time, the clinical significance of this variant is uncertain due to the absence of conclusive functional and genetic evidence.

GeneDx
Classification: Uncertain significance. Last evaluated: 2025-03-17. Review status: criteria provided, single submitter. Criteria: GeneDx Variant Classification Process June 2021. Collection method: clinical testing. Allele origin: germline. Affected: yes.
Comment: Reported in a patient with atypical femur fractures in published literature (PMID: 37076969); In silico analysis supports that this missense variant has a deleterious effect on protein structure/function; This variant is associated with the following publications: (PMID: 37076969)

Ambry Genetics
Classification: Uncertain significance for Inborn genetic diseases. Last evaluated: 2024-05-10. Review status: criteria provided, single submitter. Criteria: Ambry Variant Classification Scheme 2023. Collection method: clinical testing. Allele origin: germline.

Labcorp Genetics (formerly Invitae), Labcorp
Classification: Uncertain significance. Last evaluated: 2022-08-22. Review status: criteria provided, single submitter. Criteria: Invitae Variant Classification Sherloc (09022015). Collection method: clinical testing. Allele origin: germline.
Comment: This sequence change replaces serine, which is neutral and polar, with phenylalanine, which is neutral and non-polar, at codon 500 of the TAPT1 protein (p.Ser500Phe). This variant is present in population databases (rs200723168, gnomAD 0.07%), and has an allele count higher than expected for a pathogenic variant. This variant has not been reported in the literature in individuals affected with TAPT1-related conditions. ClinVar contains an entry for this variant (Variation ID: 1522735). Algorithms developed to predict the effect of missense changes on protein structure and function (SIFT, PolyPhen-2, Align-GVGD) all suggest that this variant is likely to be tolerated. In summary, the available evidence is currently insufficient to determine the role of this variant in disease. Therefore, it has been classified as a Variant of Uncertain Significance.

NM_153365.3(TAPT1):c.1499C>T (p.Ser500Phe)

Gene: TAPT1 (transmembrane anterior posterior transformation 1; minus strand). Cytogenetic location: 4p15.32.
Variant type: single nucleotide variant.
Coding change: c.1499C>T on transcript NM_153365.3 (MANE Select); coding-DNA position 1499, C replaced by T.
Protein change: p.Ser500Phe; replaces serine 500 with phenylalanine.
Molecular consequence: missense variant.
Genome position (GRCh38, 1-based): chr4:16,163,513, G>A on the plus strand (C>T on the coding strand, the complement: TAPT1 is on the minus strand). VCF-style: chr4-16163513-G-A. GRCh37 (hg19) VCF-style: chr4-16165136-G-A.
Other names: c.1499C>T (NM_153365.2); short protein forms S500F.
Identifiers: ClinVar variation 1522735 (VCV001522735.8), dbSNP rs200723168, ClinGen allele CA2867260.